The following is an entry in ClinVar:

NM_001848.3(COL6A1):c.1887G>A (p.Gln629=)

Gene: COL6A1 (collagen type VI alpha 1 chain; plus strand). Cytogenetic location: 21q22.3.
Variant type: single nucleotide variant.
Coding change: c.1887G>A on transcript NM_001848.3 (MANE Select); coding-DNA position 1887, G replaced by A.
Protein change: p.Gln629=; no amino-acid change (glutamine 629 retained).
Molecular consequence: synonymous variant.
Genome position (GRCh38, 1-based): chr21:46,001,317, G>A. VCF-style: chr21-46001317-G-A. GRCh37 (hg19) VCF-style: chr21-47421231-G-A.
Identifiers: ClinVar variation 515427 (VCV000515427.10), dbSNP rs1447613750, ClinGen allele CA512718621.
Genomic context (GRCh38, chr21:46,001,317, plus strand): 5'-CAAGTGCGGCCCCATCGACCTCCTGTTCGTGCTGGACAGCTCAGAGAGCATTGGCCTGCA[G>A]AACTTCGAGATTGCCAAGGACTTCGTCGTCAAGGTCATCGACCGGCTGAGCCGGGACGAG-3'
Protein context (NP_001839.2, residues 619-639): VLDSSESIGL[Gln629=]NFEIAKDFVV

ClinVar aggregate classification (germline): Likely benign. Review status: criteria provided, multiple submitters, no conflicts (2 of 4 stars). 2 submissions from 2 submitters: Likely benign (2). Last evaluated 2025-06-23.

Conditions:
Bethlem myopathy 1A. Also called: MYOPATHY, BENIGN CONGENITAL, WITH CONTRACTURES; Bethlem myopathy 1; Bethlem Muscular Dystrophy. Identifiers: Orphanet 610, MedGen CN029274, MONDO:0024530, OMIM 158810.

Allele frequency attached by ClinVar (database versions not stated): gnomAD exomes below 0.00001.
gnomAD v4.1: 3 of 1,612,876 alleles (0.00019%); highest among the groups gnomAD compares: Non-Finnish European, 0.00025%; no homozygotes.

Submissions (2):

Labcorp Genetics (formerly Invitae), Labcorp
Classification: Likely benign for Bethlem myopathy 1A. Last evaluated: 2025-06-23. Review status: criteria provided, single submitter. Criteria: Invitae Variant Classification Sherloc (09022015). Collection method: clinical testing. Allele origin: germline.

GeneDx
Classification: Likely benign. Last evaluated: 2018-02-14. Review status: criteria provided, single submitter. Criteria: GeneDx Variant Classification (06012015). Collection method: clinical testing. Allele origin: germline. Affected: yes.
Comment: This variant is considered likely benign or benign based on one or more of the following criteria: it is a conservative change, it occurs at a poorly conserved position in the protein, it is predicted to be benign by multiple in silico algorithms, and/or has population frequency not consistent with disease.